The following is an entry in ClinVar:

ClinVar aggregate classification (germline): Likely pathogenic (1 of 4 stars; one submission).

Conditions:
Macrocephaly, acquired, with impaired intellectual development. Also called: MACROCEPHALY, ACQUIRED, WITH MENTAL RETARDATION. Identifiers: MedGen C4748993, MONDO:0032658, OMIM 618286.

Submission:

Rare and Emerging Medical Disorders Group (REMED Group), Universidad Internacional Del Ecuador
Classification: Likely pathogenic for Macrocephaly, acquired, with impaired intellectual development. Last evaluated: 2026-08-13. Review status: criteria provided, single submitter. Criteria: ACMG Guidelines, 2015. Collection method: research. Allele origin: germline. Inheritance: Autosomal dominant inheritance. Affected: yes. Observed: 1 variant allele.
Comment: The NFIB variant NM_001190737.2:c.103C>T (p.Gln35Ter) is a heterozygous nonsense variant predicted to introduce a premature termination codon in exon 2, resulting in nonsense-mediated mRNA decay. Loss of function is an established disease mechanism for NFIB-related Macrocephaly, Acquired, with Impaired Intellectual Development (MACID). The variant was not identified in gnomAD. The patient's phenotype, including macrocephaly, global developmental delay, corpus callosum abnormalities, and polymicrogyria, is highly consistent with NFIB-related disease. Based on ACMG/AMP guidelines with current ClinGen Sequence Variant Interpretation recommendations, the variant was classified as Likely pathogenic (PVS1, PM2_Supporting, PP4).

NM_001190737.2(NFIB):c.103C>T (p.Gln35Ter)

Gene: NFIB (nuclear factor I B; minus strand). Cytogenetic location: 9p22.3.
Variant type: single nucleotide variant.
Coding change: c.103C>T on transcript NM_001190737.2 (MANE Select); coding-DNA position 103, C replaced by T.
Protein change: p.Gln35Ter; replaces glutamine 35 with a stop codon.
Molecular consequence: nonsense. On other transcripts: 5 prime UTR variant (1).
Genome position (GRCh38, 1-based): chr9:14,307,448, G>A on the plus strand (C>T on the coding strand, the complement: NFIB is on the minus strand). VCF-style: chr9-14307448-G-A. GRCh37 (hg19) VCF-style: chr9-14307447-G-A.
Other names: c.181C>T, p.Gln61Ter (NM_001190738.2); c.169C>T, p.Gln57Ter (NM_001369458.1, NM_001369459.1, NM_001369462.1 and 1 more transcripts); c.91C>T, p.Gln31Ter (NM_001369460.1, NM_001369463.1, NM_001369466.1 and 4 more transcripts); c.103C>T, p.Gln35Ter (NM_001369461.1, NM_001369464.1, NM_001369471.1 and 5 more transcripts); c.76C>T, p.Gln26Ter (NM_001369465.1, NM_001369467.1, NM_001369476.1); c.-42C>T (NM_001369469.1); c.88C>T, p.Gln30Ter (NM_001369474.1); short protein forms Q35*, Q26*, Q31*, Q57*, Q30*, Q61*.
Identifiers: ClinVar variation 4974523 (VCV004974523.2).